The following is an entry in ClinVar:

NM_032737.4(LMNB2):c.665G>A (p.Arg222Gln)

Gene: LMNB2 (lamin B2; minus strand). Cytogenetic location: 19p13.3.
Variant type: single nucleotide variant.
Coding change: c.665G>A on transcript NM_032737.4 (MANE Select); coding-DNA position 665, G replaced by A.
Protein change: p.Arg222Gln; replaces arginine 222 with glutamine.
Molecular consequence: missense variant.
Genome position (GRCh38, 1-based): chr19:2,438,182, C>T on the plus strand (G>A on the coding strand, the complement: LMNB2 is on the minus strand). VCF-style: chr19-2438182-C-T. GRCh37 (hg19) VCF-style: chr19-2438180-C-T.
Other names: short protein forms R222Q.
Identifiers: ClinVar variation 1016614 (VCV001016614.8), dbSNP rs747514243, ClinGen allele CA9067824.

ClinVar aggregate classification (germline): Uncertain significance (1 of 4 stars; one submission).

Conditions:
Lipodystrophy, partial, acquired, susceptibility to (APLD). Also called: APLD, SUSCEPTIBILITY TO. Identifiers: MedGen C3887501, MONDO:0100476, OMIM 608709.
Progressive myoclonic epilepsy type 9. Identifiers: Orphanet 457265, MedGen C4225289, MONDO:0014685, OMIM 616540.

Allele frequency attached by ClinVar (database versions not stated): gnomAD 0.00001; gnomAD exomes 0.00002; ExAC 0.00001; TOPMed 0.00002.
gnomAD v4.1: 28 of 1,613,874 alleles (0.0017%); highest among the groups gnomAD compares: Admixed American, 0.005%; no homozygotes.

Submission:

Labcorp Genetics (formerly Invitae), Labcorp
Classification: Uncertain significance for Progressive myoclonic epilepsy type 9; Lipodystrophy, partial, acquired, susceptibility to. Last evaluated: 2025-06-12. Review status: criteria provided, single submitter. Criteria: Invitae Variant Classification Sherloc (09022015). Collection method: clinical testing. Allele origin: germline.
Comment: This sequence change replaces arginine, which is basic and polar, with glutamine, which is neutral and polar, at codon 222 of the LMNB2 protein (p.Arg222Gln). This variant is present in population databases (rs747514243, gnomAD 0.003%). This missense change has been observed in individual(s) with dyslipidemia (PMID: 32041611). ClinVar contains an entry for this variant (Variation ID: 1016614). An algorithm developed to predict the effect of missense changes on protein structure and function outputs the following: PolyPhen-2: "Benign". The glutamine amino acid residue is found in multiple mammalian species, which suggests that this missense change does not adversely affect protein function. In summary, the available evidence is currently insufficient to determine the role of this variant in disease. Therefore, it has been classified as a Variant of Uncertain Significance.

Literature cited by the submitters: PubMed 32041611.